The following is an entry in ClinVar:

ClinVar aggregate classification (germline): Uncertain significance. Review status: criteria provided, multiple submitters, no conflicts (2 of 4 stars). 4 submissions from 4 submitters: Uncertain significance (4). Last evaluated 2025-09-05.

Conditions:
Inborn genetic diseases. Identifiers: MedGen C0950123, MeSH D030342.
PRPF31-related disorder. Also called: PRPF31-related condition.

Allele frequency attached by ClinVar (database versions not stated): ExAC 0.00001; gnomAD 0.00002; gnomAD exomes 0.00004 and 0.00012; TOPMed 0.00004.
gnomAD v4.1: 179 of 1,614,000 alleles (0.011%); highest among the groups gnomAD compares: Non-Finnish European, 0.015%; no homozygotes.

Submissions (4):

PreventionGenetics, part of Exact Sciences
Classification: Uncertain significance for PRPF31-related condition. Last evaluated: 2025-09-05. Review status: criteria provided, single submitter. Criteria: ACMG Guidelines, 2015. Collection method: clinical testing. Allele origin: germline.
Comment: The PRPF31 c.113A>C variant is predicted to result in the amino acid substitution p.Glu38Ala. To our knowledge, this variant has not been reported in the literature. This variant is reported in 0.0072% of alleles in individuals of European (Non-Finnish) descent in gnomAD. At this time, the clinical significance of this variant is uncertain due to the absence of conclusive functional and genetic evidence.

Ambry Genetics
Classification: Uncertain significance for Inborn genetic diseases. Last evaluated: 2025-08-11. Review status: criteria provided, single submitter. Criteria: Ambry Variant Classification Scheme 2023. Collection method: clinical testing. Allele origin: germline.

Labcorp Genetics (formerly Invitae), Labcorp
Classification: Uncertain significance. Last evaluated: 2024-12-24. Review status: criteria provided, single submitter. Criteria: Invitae Variant Classification Sherloc (09022015). Collection method: clinical testing. Allele origin: germline.
Comment: This sequence change replaces glutamic acid, which is acidic and polar, with alanine, which is neutral and non-polar, at codon 38 of the PRPF31 protein (p.Glu38Ala). This variant is present in population databases (rs746256474, gnomAD 0.007%). This variant has not been reported in the literature in individuals affected with PRPF31-related conditions. ClinVar contains an entry for this variant (Variation ID: 1499038). Experimental studies and prediction algorithms are not available or were not evaluated, and the functional significance of this variant is currently unknown. In summary, the available evidence is currently insufficient to determine the role of this variant in disease. Therefore, it has been classified as a Variant of Uncertain Significance.

Blueprint Genetics
Classification: Uncertain significance. Last evaluated: 2023-10-27. Review status: criteria provided, single submitter. Criteria: ACMG Guidelines, 2015. Collection method: clinical testing. Allele origin: germline.

NM_015629.4(PRPF31):c.113A>C (p.Glu38Ala)

Gene: PRPF31 (pre-mRNA processing factor 31; plus strand). Cytogenetic location: 19q13.42.
Variant type: single nucleotide variant.
Coding change: c.113A>C on transcript NM_015629.4 (MANE Select); coding-DNA position 113, A replaced by C.
Protein change: p.Glu38Ala; replaces glutamic acid 38 with alanine.
Molecular consequence: missense variant.
Genome position (GRCh38, 1-based): chr19:54,118,391, A>C. VCF-style: chr19-54118391-A-C. GRCh37 (hg19) VCF-style: chr19-54621771-A-C.
Other names: c.113A>C (NM_015629.3); short protein forms E38A.
Identifiers: ClinVar variation 1499038 (VCV001499038.13), dbSNP rs746256474, ClinGen allele CA309320828.